The following is an entry in ClinVar:

ClinVar aggregate classification (germline): Uncertain significance (1 of 4 stars; one submission).

Conditions:
Cutis laxa with osteodystrophy (ARCL2A). Also called: Autosomal recessive cutis laxa type 2A; Debré-Type Cutis Laxa; CUTIS LAXA WITH CONGENITAL DISORDER OF GLYCOSYLATION; CUTIS LAXA, AUTOSOMAL RECESSIVE, TYPE IIA; CUTIS LAXA WITH BONE DYSTROPHY; CUTIS LAXA WITH GROWTH AND DEVELOPMENTAL DELAY. Identifiers: Orphanet 357058, MedGen C0268355, MONDO:0018163, OMIM 219200. Disease mechanism: loss of function.

Submission:

Victorian Clinical Genetics Services, Murdoch Childrens Research Institute
Classification: Uncertain significance for Cutis laxa with osteodystrophy. Last evaluated: 2020-05-01. Review status: criteria provided, single submitter. Criteria: ACMG Guidelines, 2015. Collection method: clinical testing. Allele origin: germline. Inheritance: Autosomal recessive inheritance.
Comment: Based on the classification scheme VCGS_Germline_v1.1.1, this variant is classified as 3B-VUS. Following criteria are met: 0102 - Loss-of-function is a known mechanism of disease for this gene. (N) 0106 - This gene is known to be associated with autosomal recessive disease. (N) 0200 - Variant is predicted to result in a missense amino acid change from phenylalanine to tyrosine (exon 19). (N) 0251 - Variant is heterozygous. (N) 0301 - Variant is absent from gnomAD. (P) 0501 - Missense variant consistently predicted to be damaging by multiple in silico tools or highly conserved with a major amino acid change. (P) 0600 - Variant is located in an annotated domain or motif (V ATPase I domain; NCBI, PDB). (N) 0705 - No comparable variants have previous evidence for pathogenicity. (N) 0807 - Variant has not previously been reported in a clinical context. (N) 0905 - No segregation evidence has been identified for this variant. (N) 1007 - No published functional evidence has been identified for this variant. (N) 1208 - Inheritance information for this variant is not currently available. (N) Legend: (P) - Pathogenic, (N) - Neutral, (B) - Benign

NM_012463.4(ATP6V0A2):c.2441T>A (p.Phe814Tyr)

Gene: ATP6V0A2 (ATPase H+ transporting V0 subunit a2; plus strand). Cytogenetic location: 12q24.31.
Variant type: single nucleotide variant.
Coding change: c.2441T>A on transcript NM_012463.4 (MANE Select); coding-DNA position 2441, T replaced by A.
Protein change: p.Phe814Tyr; replaces phenylalanine 814 with tyrosine.
Molecular consequence: missense variant.
Genome position (GRCh38, 1-based): chr12:123,756,962, T>A. VCF-style: chr12-123756962-T-A. GRCh37 (hg19) VCF-style: chr12-124241509-T-A.
Other names: short protein forms F814Y.
Identifiers: ClinVar variation 1698977 (VCV001698977.3), dbSNP rs2135923855, ClinGen allele CA387158386.